The following is an entry in ClinVar:

ClinVar aggregate classification (germline): Uncertain significance. Review status: criteria provided, multiple submitters, no conflicts (2 of 4 stars). 2 submissions from 2 submitters: Uncertain significance (2). Last evaluated 2025-10-15.

Conditions:
Early-infantile DEE. Also called: Early infantile epileptic encephalopathy with suppression bursts; Early infantile epileptic encephalopathy; Ohtahara syndrome. Identifiers: Orphanet 1934, MedGen C0393706, MONDO:0800491.

Submissions (2):

Labcorp Genetics (formerly Invitae), Labcorp
Classification: Uncertain significance for Early-infantile DEE. Last evaluated: 2025-10-15. Review status: criteria provided, single submitter. Criteria: Invitae Variant Classification Sherloc (09022015). Collection method: clinical testing. Allele origin: germline.
Comment: This sequence change replaces glutamine, which is neutral and polar, with proline, which is neutral and non-polar, at codon 1496 of the SCN1A protein (p.Gln1496Pro). This variant is not present in population databases (gnomAD no frequency). This variant has not been reported in the literature in individuals affected with SCN1A-related conditions. ClinVar contains an entry for this variant (Variation ID: 1256615). Invitae Evidence Modeling of protein sequence and biophysical properties (such as structural, functional, and spatial information, amino acid conservation, physicochemical variation, residue mobility, and thermodynamic stability) indicates that this missense variant is expected to disrupt SCN1A protein function with a positive predictive value of 95%. In summary, the available evidence is currently insufficient to determine the role of this variant in disease. Therefore, it has been classified as a Variant of Uncertain Significance.

Athena Diagnostics
Classification: Uncertain significance. Last evaluated: 2021-06-09. Review status: criteria provided, single submitter. Criteria: Athena Diagnostics Criteria. Collection method: clinical testing. Allele origin: unknown.

NM_001165963.4(SCN1A):c.4487A>C (p.Gln1496Pro)

Genes: SCN1A (sodium voltage-gated channel alpha subunit 1; minus strand), LOC102724058 (uncharacterized LOC102724058; plus strand). Cytogenetic location: 2q24.3.
Variant type: single nucleotide variant.
Coding change: c.4487A>C on transcript NM_001165963.4 (MANE Select); coding-DNA position 4487, A replaced by C.
Protein change: p.Gln1496Pro; replaces glutamine 1496 with proline.
Molecular consequence: missense variant. On other transcripts: non-coding transcript variant (1).
Genome position (GRCh38, 1-based): chr2:165,996,107, T>G on the plus strand (A>C on the coding strand, the complement: SCN1A is on the minus strand). VCF-style: chr2-165996107-T-G. GRCh37 (hg19) VCF-style: chr2-166852617-T-G.
Other names: c.4403A>C, p.Gln1468Pro (NM_001165964.3, NM_001353957.2, NM_001353958.2); c.4487A>C, p.Gln1496Pro (NM_001202435.3, NM_001353948.2); c.4454A>C, p.Gln1485Pro (NM_001353949.2, NM_001353950.2, NM_001353951.2 and 2 more transcripts); c.4451A>C, p.Gln1484Pro (NM_001353954.2, NM_001353955.2); c.4400A>C, p.Gln1467Pro (NM_001353960.2); c.2045A>C, p.Gln682Pro (NM_001353961.2); short protein forms Q1467P, Q1468P, Q1484P, Q1485P, Q1496P, Q682P.
Identifiers: ClinVar variation 1256615 (VCV001256615.9), dbSNP rs2105462677, ClinGen allele CA349048888.